The following is an entry in ClinVar:

NM_005506.4(SCARB2):c.93G>A (p.Lys31=)

Gene: SCARB2 (scavenger receptor class B member 2; minus strand). Cytogenetic location: 4q21.1.
Variant type: single nucleotide variant.
Coding change: c.93G>A on transcript NM_005506.4 (MANE Select); coding-DNA position 93, G replaced by A.
Protein change: p.Lys31=; no amino-acid change (lysine 31 retained).
Molecular consequence: synonymous variant.
Genome position (GRCh38, 1-based): chr4:76,213,451, C>T on the plus strand (G>A on the coding strand, the complement: SCARB2 is on the minus strand). VCF-style: chr4-76213451-C-T. GRCh37 (hg19) VCF-style: chr4-77134604-C-T.
Other names: c.93G>A, p.Lys31= (NM_001204255.2).
Identifiers: ClinVar variation 516610 (VCV000516610.19), dbSNP rs558215488, ClinGen allele CA2970431.
Genomic context (GRCh38, chr4:76,213,451, plus strand): 5'-GACTCCACAACACACACACAGCCCGCCCCGCCTCACCTTCTCGATACTCTGGTCTACAGC[C>T]TTCTGGAAGACCCGGGCCACCAGCAGCGTGACGCTGGTCACCAGCAGGAGCAGGGACAAC-3'
Protein context (NP_005497.1, residues 21-41): VTLLVARVFQ[Lys31=]AVDQSIEKKI

ClinVar aggregate classification (germline): Likely benign. Review status: criteria provided, multiple submitters, no conflicts (2 of 4 stars). 6 submissions from 6 submitters: Likely benign (6). Last evaluated 2026-01-25.

Conditions:
Inborn genetic diseases. Identifiers: MedGen C0950123, MeSH D030342.
SCARB2-related disorder. Also called: SCARB2-related condition.
Progressive myoclonic epilepsy. Also called: Progressive myoclonus epilepsy; Familial progressive myoclonic epilepsy; Myoclonic Epilepsies, Progressive; Myoclonus epilepsy. Identifiers: Orphanet 308, Orphanet 98261, MedGen C0751778, MONDO:0020074.
Action myoclonus-renal failure syndrome. Also called: EPILEPSY, PROGRESSIVE MYOCLONIC, 4, WITH RENAL FAILURE; EPILEPSY, PROGRESSIVE MYOCLONIC, 4, WITHOUT RENAL FAILURE; SCARB2-Related Action Myoclonus-Renal Failure Syndrome; MYOCLONUS-NEPHROPATHY SYNDROME. Identifiers: Orphanet 163696, MedGen C0751779, MeSH D020191, MONDO:0009699, OMIM 254900.

Allele frequency attached by ClinVar (database versions not stated): gnomAD 0.00004 and 0.00012; TOPMed 0.00014; ExAC 0.00038; 1000 Genomes Project 30x 0.00062; 1000 Genomes Project 0.00080.
gnomAD v4.1: 251 of 1,610,628 alleles (0.016%); highest among the groups gnomAD compares: South Asian, 0.26%; 4 homozygotes.

Submissions (6):

Labcorp Genetics (formerly Invitae), Labcorp
Classification: Likely benign for Progressive myoclonic epilepsy. Last evaluated: 2026-01-25. Review status: criteria provided, single submitter. Criteria: Invitae Variant Classification Sherloc (09022015). Collection method: clinical testing. Allele origin: germline.

PreventionGenetics, part of Exact Sciences
Classification: Likely benign for SCARB2-related condition. Last evaluated: 2025-07-17. Review status: criteria provided, single submitter. Criteria: ACMG Guidelines, 2015. Collection method: clinical testing. Allele origin: germline.
Comment: This variant is classified as likely benign based on ACMG/AMP sequence variant interpretation guidelines (Richards et al. 2015 PMID: 25741868, with internal and published modifications).

Blueprint Genetics
Classification: Likely benign. Last evaluated: 2024-11-26. Review status: criteria provided, single submitter. Criteria: ACMG Guidelines, 2015. Collection method: clinical testing. Allele origin: germline.

Fulgent Genetics
Classification: Likely benign for Action myoclonus-renal failure syndrome. Last evaluated: 2021-11-29. Review status: criteria provided, single submitter. Criteria: ACMG Guidelines, 2015. Collection method: clinical testing. Allele origin: unknown.

GeneDx
Classification: Likely benign. Last evaluated: 2018-02-05. Review status: criteria provided, single submitter. Criteria: GeneDx Variant Classification (06012015). Collection method: clinical testing. Allele origin: germline. Affected: yes.
Comment: This variant is considered likely benign or benign based on one or more of the following criteria: it is a conservative change, it occurs at a poorly conserved position in the protein, it is predicted to be benign by multiple in silico algorithms, and/or has population frequency not consistent with disease.

Ambry Genetics
Classification: Likely benign for Inborn genetic diseases. Last evaluated: 2016-08-05. Review status: criteria provided, single submitter. Criteria: Ambry Variant Classification Scheme 2023. Collection method: clinical testing. Allele origin: germline.